The following is an entry in ClinVar:

ClinVar aggregate classification (germline): Uncertain significance. Review status: criteria provided, multiple submitters, no conflicts (2 of 4 stars). 2 submissions from 2 submitters: Uncertain significance (2). Last evaluated 2023-11-29.

Allele frequency attached by ClinVar (database versions not stated): gnomAD 0.00003; TOPMed 0.00003; ESP Exome Variant Server 0.00008.
gnomAD v4.1: 138 of 1,614,036 alleles (0.0085%); highest among the groups gnomAD compares: Non-Finnish European, 0.011%; no homozygotes.

Submissions (2):

Ambry Genetics
Classification: Uncertain significance. Last evaluated: 2023-11-29. Review status: criteria provided, single submitter. Criteria: Ambry Variant Classification Scheme 2023. Collection method: clinical testing. Allele origin: germline.

Labcorp Genetics (formerly Invitae), Labcorp
Classification: Uncertain significance. Last evaluated: 2022-08-11. Review status: criteria provided, single submitter. Criteria: Invitae Variant Classification Sherloc (09022015). Collection method: clinical testing. Allele origin: germline.
Comment: In summary, the available evidence is currently insufficient to determine the role of this variant in disease. Therefore, it has been classified as a Variant of Uncertain Significance. Algorithms developed to predict the effect of missense changes on protein structure and function output the following: SIFT: "Tolerated"; PolyPhen-2: "Benign"; Align-GVGD: "Class C0". The valine amino acid residue is found in multiple mammalian species, which suggests that this missense change does not adversely affect protein function. This variant has not been reported in the literature in individuals affected with FAT2-related conditions. This variant is present in population databases (rs376462824, gnomAD 0.005%). This sequence change replaces isoleucine, which is neutral and non-polar, with valine, which is neutral and non-polar, at codon 2634 of the FAT2 protein (p.Ile2634Val).

NM_001447.3(FAT2):c.7900A>G (p.Ile2634Val)

Genes: FAT2 (FAT atypical cadherin 2; minus strand), SLC36A1 (solute carrier family 36 member 1; plus strand). Cytogenetic location: 5q33.1.
Variant type: single nucleotide variant.
Coding change: c.7900A>G on transcript NM_001447.3 (MANE Select); coding-DNA position 7900, A replaced by G.
Protein change: p.Ile2634Val; replaces isoleucine 2634 with valine.
Molecular consequence: missense variant.
Genome position (GRCh38, 1-based): chr5:151,543,227, T>C on the plus strand (A>G on the coding strand, the complement: FAT2 is on the minus strand). VCF-style: chr5-151543227-T-C. GRCh37 (hg19) VCF-style: chr5-150922788-T-C.
Other names: c.7900A>G (NM_001447.2); short protein forms I2634V.
Identifiers: ClinVar variation 2050542 (VCV002050542.5), dbSNP rs376462824, ClinGen allele CA3520887.